The following is an entry in ClinVar:

NM_001348716.2(KDM6B):c.3493T>A (p.Ser1165Thr)

Gene: KDM6B (lysine demethylase 6B; plus strand). Cytogenetic location: 17p13.1.
Variant type: single nucleotide variant.
Coding change: c.3493T>A on transcript NM_001348716.2 (MANE Select); coding-DNA position 3493, T replaced by A.
Protein change: p.Ser1165Thr; replaces serine 1165 with threonine.
Molecular consequence: missense variant.
Genome position (GRCh38, 1-based): chr17:7,849,873, T>A. VCF-style: chr17-7849873-T-A. GRCh37 (hg19) VCF-style: chr17-7753191-T-A.
Other names: c.3493T>A, p.Ser1165Thr (NM_001080424.2); short protein forms S1165T.
Identifiers: ClinVar variation 4988675 (VCV004988675.1).

ClinVar aggregate classification (germline): Uncertain significance (1 of 4 stars; one submission).

Conditions:
KDM6B-related disorder. Also called: KDM6B-related condition.

gnomAD v4.1: 1 of 1,612,334 alleles (0.000062%); no homozygotes.

Submission:

PreventionGenetics, part of Exact Sciences
Classification: Uncertain significance for KDM6B-related condition. Last evaluated: 2025-02-26. Review status: criteria provided, single submitter. Criteria: ACMG Guidelines, 2015. Collection method: clinical testing. Allele origin: germline.
Comment: The KDM6B c.3493T>A variant is predicted to result in the amino acid substitution p.Ser1165Thr. To our knowledge, this variant has not been reported in the literature or in a large population database (gnomAD), indicating this variant is rare. At this time, the clinical significance of this variant is uncertain due to the absence of conclusive functional and genetic evidence.